The following is an entry in ClinVar:

ClinVar aggregate classification (germline): Conflicting classifications of pathogenicity. Review status: criteria provided, conflicting classifications (1 of 4 stars). 12 submissions from 12 submitters: Uncertain significance (1); Benign (2); Likely benign (9). Last evaluated 2026-02-01.

Conditions:
Connective tissue disorder. Also called: Connective tissue disease. Identifiers: MedGen C0009782, MONDO:0003900.
Familial thoracic aortic aneurysm and aortic dissection (TAAD). Also called: Thoracic aortic aneurysms and dissections. Identifiers: Orphanet 91387, MedGen C4707243, MONDO:0019625.
Aortic aneurysm, familial thoracic 4 (AAT4). Also called: AORTIC ANEURYSM/AORTIC DISSECTION AND PATENT DUCTUS ARTERIOSUS. Identifiers: MedGen C1851504, MONDO:0007568, OMIM 132900.

Allele frequency attached by ClinVar (database versions not stated): ExAC 0.00012; gnomAD 0.00014 and 0.00015; gnomAD exomes 0.00014 and 0.00016; TOPMed 0.00014; ESP Exome Variant Server 0.00015; 1000 Genomes Project 0.00020; 1000 Genomes Project 30x 0.00031.
gnomAD v4.1: 218 of 1,613,612 alleles (0.014%); highest among the groups gnomAD compares: Non-Finnish European, 0.018%; no homozygotes.

Submissions (12):

CeGaT Center for Human Genetics Tuebingen
Classification: Likely benign. Last evaluated: 2026-02-01. Review status: criteria provided, single submitter. Criteria: CeGaT Center For Human Genetics Tuebingen Variant Classification Criteria Version 2. Collection method: clinical testing. Allele origin: germline. Affected: yes. Observed: 6 variant alleles.
Comment: MYH11: BP4, BP7

Labcorp Genetics (formerly Invitae), Labcorp
Classification: Likely benign for Aortic aneurysm, familial thoracic 4. Last evaluated: 2026-01-21. Review status: criteria provided, single submitter. Criteria: Invitae Variant Classification Sherloc (09022015). Collection method: clinical testing. Allele origin: germline.

Blueprint Genetics
Classification: Likely benign. Last evaluated: 2024-06-10. Review status: criteria provided, single submitter. Criteria: ACMG Guidelines, 2015. Collection method: clinical testing. Allele origin: germline.

ARUP Laboratories, Molecular Genetics and Genomics, ARUP Laboratories
Classification: Likely benign. Last evaluated: 2024-04-01. Review status: criteria provided, single submitter. Criteria: ARUP Molecular Germline Variant Investigation Process 2024. Collection method: clinical testing. Allele origin: germline.

All of Us Research Program, National Institutes of Health
Classification: Likely benign for Familial thoracic aortic aneurysm and aortic dissection. Last evaluated: 2024-02-05. Review status: criteria provided, single submitter. Criteria: ACMG Guidelines, 2015. Collection method: clinical testing. Allele origin: germline. Inheritance: Autosomal dominant inheritance. Observed: 42 variant alleles, 42 heterozygotes.
Comment: This study involves interpretation of variants in research participants for the purpose of population health screening. Participant phenotype was not available at the time of variant classification. Additional details can be found in publication PMID: 35346344, PMCID: PMC8962531

Women's Health and Genetics/Laboratory Corporation of America, LabCorp
Classification: Benign. Last evaluated: 2022-07-02. Review status: criteria provided, single submitter. Criteria: LabCorp Variant Classification Summary - May 2015. Collection method: clinical testing. Allele origin: germline.

CHEO Genetics Diagnostic Laboratory, Children's Hospital of Eastern Ontario
Classification: Likely benign for Familial thoracic aortic aneurysm and aortic dissection. Last evaluated: 2018-10-16. Review status: criteria provided, single submitter. Criteria: ACMG Guidelines, 2015. Collection method: clinical testing. Allele origin: germline.

Color Diagnostics, LLC DBA Color Health
Classification: Likely benign for Familial thoracic aortic aneurysm and aortic dissection. Last evaluated: 2018-05-08. Review status: criteria provided, single submitter. Criteria: ACMG Guidelines, 2015. Collection method: clinical testing. Allele origin: germline.

Illumina Laboratory Services, Illumina
Classification: Uncertain significance for Aortic aneurysm, familial thoracic 4. Last evaluated: 2018-01-15. Review status: criteria provided, single submitter. Criteria: ICSL Variant Classification Criteria 13 December 2019. Collection method: clinical testing. Allele origin: germline.

Center for Human Genetics, Inc
Classification: Likely benign for Connective tissue disorder. Last evaluated: 2016-11-01. Review status: criteria provided, single submitter. Criteria: ACMG Guidelines, 2015. Collection method: clinical testing. Allele origin: germline. Affected: yes.

Ambry Genetics
Classification: Likely benign for Familial thoracic aortic aneurysm and aortic dissection. Last evaluated: 2016-01-08. Review status: criteria provided, single submitter. Criteria: Ambry Variant Classification Scheme 2023. Collection method: clinical testing. Allele origin: germline.

GeneDx
Classification: Benign. Last evaluated: 2013-10-17. Review status: criteria provided, single submitter. Criteria: GeneDx Variant Classification (06012015). Collection method: clinical testing. Allele origin: germline. Affected: yes.
Comment: This variant is considered likely benign or benign based on one or more of the following criteria: it is a conservative change, it occurs at a poorly conserved position in the protein, it is predicted to be benign by multiple in silico algorithms, and/or has population frequency not consistent with disease.

NM_002474.3(MYH11):c.5160C>T (p.Ser1720=)

Genes: MYH11 (myosin heavy chain 11; minus strand), NDE1 (nudE neurodevelopment protein 1; plus strand). Cytogenetic location: 16p13.11.
Variant type: single nucleotide variant.
Coding change: c.5160C>T on transcript NM_002474.3 (MANE Select); coding-DNA position 5160, C replaced by T.
Protein change: p.Ser1720=; no amino-acid change (serine 1720 retained).
Molecular consequence: synonymous variant. On other transcripts: intron variant (2).
Genome position (GRCh38, 1-based): chr16:15,719,231, G>A on the plus strand (C>T on the coding strand, the complement: MYH11 is on the minus strand). VCF-style: chr16-15719231-G-A. GRCh37 (hg19) VCF-style: chr16-15813088-G-A.
Other names: p.S1720S:AGC>AGT; c.5181C>T, p.Ser1727= (NM_001040113.2, NM_001040114.2); c.5160C>T, p.Ser1720= (NM_022844.3); c.948-4960G>A (NM_001143979.2, NM_017668.3).
Identifiers: ClinVar variation 138349 (VCV000138349.71), dbSNP rs199564260, ClinGen allele CA292318.